The following is an entry in ClinVar:

NM_004170.6(SLC1A1):c.-211C>T

Genes: SLC1A1 (solute carrier family 1 member 1; plus strand), LOC130001482 (ATAC-STARR-seq lymphoblastoid silent region 19742; plus strand). Cytogenetic location: 9p24.2.
Variant type: single nucleotide variant.
Coding change: c.-211C>T on transcript NM_004170.6 (MANE Select); 211 bases upstream of the start codon, C replaced by T.
Molecular consequence: 5 prime UTR variant.
Genome position (GRCh38, 1-based): chr9:4,490,469, C>T. VCF-style: chr9-4490469-C-T. GRCh37 (hg19) VCF-style: chr9-4490469-C-T.
Identifiers: ClinVar variation 367028 (VCV000367028.5), dbSNP rs559846052, ClinGen allele CA10634194.

ClinVar aggregate classification (germline): Likely benign (1 of 4 stars; one submission).

Conditions:
Dicarboxylic aminoaciduria (DCBXA). Also called: GLUTAMATE-ASPARTATE TRANSPORT DEFECT. Identifiers: Orphanet 2195, MedGen C1857253, MONDO:0009110, OMIM 222730.

Allele frequency attached by ClinVar (database versions not stated): 1000 Genomes Project 0.00080; 1000 Genomes Project 30x 0.00109; gnomAD 0.00152 and 0.00155; TOPMed 0.00154; gnomAD exomes 0.00177.

Submission:

Illumina Laboratory Services, Illumina
Classification: Likely benign for Dicarboxylic aminoaciduria. Last evaluated: 2018-01-13. Review status: criteria provided, single submitter. Criteria: ICSL Variant Classification Criteria 13 December 2019. Collection method: clinical testing. Allele origin: germline.
Comment: This variant was observed in the ICSL laboratory as part of a predisposition screen in an ostensibly healthy population. It had not been previously curated by ICSL or reported in the Human Gene Mutation Database (HGMD: prior to June 1st, 2018), and was therefore a candidate for classification through an automated scoring system. Utilizing variant allele frequency, disease prevalence and penetrance estimates, and inheritance mode, an automated score was calculated to assess if this variant is too frequent to cause the disease. Based on the score and internal cut-off values, a variant classified as likely benign is not then subjected to further curation. The score for this variant resulted in a classification of likely benign for this disease.